The following is an entry in ClinVar:

ClinVar aggregate classification (germline): Uncertain significance (1 of 4 stars; one submission).

Conditions:
Hereditary sensory and autonomic neuropathy type 7. Also called: Neuropathy, hereditary sensory and autonomic, type VII; HSAN VII. Identifiers: Orphanet 391397, MedGen C3809882, MONDO:0014244, OMIM 615548.
Familial episodic pain syndrome with predominantly lower limb involvement. Also called: Episodic pain syndrome, familial, 3. Identifiers: Orphanet 391384, Orphanet 391392, MedGen C3809899, MONDO:0014247, OMIM 615552.

Allele frequency attached by ClinVar (database versions not stated): gnomAD exomes below 0.00001.
gnomAD v4.1: 2 of 1,608,500 alleles (0.00012%); highest among the groups gnomAD compares: Non-Finnish European, 0.00017%; no homozygotes.

Submission:

Labcorp Genetics (formerly Invitae), Labcorp
Classification: Uncertain significance for Familial episodic pain syndrome with predominantly lower limb involvement; Hereditary sensory and autonomic neuropathy type 7. Last evaluated: 2021-08-18. Review status: criteria provided, single submitter. Criteria: Invitae Variant Classification Sherloc (09022015). Collection method: clinical testing. Allele origin: germline.
Comment: This sequence change replaces leucine with serine at codon 1339 of the SCN11A protein (p.Leu1339Ser). The leucine residue is highly conserved and there is a large physicochemical difference between leucine and serine. This variant is not present in population databases (ExAC no frequency). This variant has not been reported in the literature in individuals affected with SCN11A-related conditions. Algorithms developed to predict the effect of missense changes on protein structure and function (SIFT, PolyPhen-2, Align-GVGD) all suggest that this variant is likely to be disruptive. In summary, the available evidence is currently insufficient to determine the role of this variant in disease. Therefore, it has been classified as a Variant of Uncertain Significance.

NM_001349253.2(SCN11A):c.4016T>C (p.Leu1339Ser)

Gene: SCN11A (sodium voltage-gated channel alpha subunit 11; minus strand). Cytogenetic location: 3p22.2.
Variant type: single nucleotide variant.
Coding change: c.4016T>C on transcript NM_001349253.2 (MANE Select); coding-DNA position 4016, T replaced by C.
Protein change: p.Leu1339Ser; replaces leucine 1339 with serine.
Molecular consequence: missense variant.
Genome position (GRCh38, 1-based): chr3:38,863,235, A>G on the plus strand (T>C on the coding strand, the complement: SCN11A is on the minus strand). VCF-style: chr3-38863235-A-G. GRCh37 (hg19) VCF-style: chr3-38904726-A-G.
Other names: c.4016T>C, p.Leu1339Ser (NM_014139.3); short protein forms L1339S.
Identifiers: ClinVar variation 1375894 (VCV001375894.6), dbSNP rs2064992746, ClinGen allele CA352167524.